The following is an entry in ClinVar:

NM_001242.5(CD27):c.319C>T (p.Arg107Cys)

Genes: CD27 (CD27 molecule; plus strand), CD27-AS1 (CD27 antisense RNA 1; minus strand). Cytogenetic location: 12p13.31.
Variant type: single nucleotide variant.
Coding change: c.319C>T on transcript NM_001242.5 (MANE Select); coding-DNA position 319, C replaced by T.
Protein change: p.Arg107Cys; replaces arginine 107 with cysteine.
Molecular consequence: missense variant.
Genome position (GRCh38, 1-based): chr12:6,450,223, C>T. VCF-style: chr12-6450223-C-T. GRCh37 (hg19) VCF-style: chr12-6559389-C-T.
Other names: short protein forms R107C.
Identifiers: ClinVar variation 827695 (VCV000827695.11), dbSNP rs371761387, ClinGen allele CA6406946.
Genomic context (GRCh38, chr12:6,450,223, plus strand): 5'-CTTCCCCCAGGTCTTCTCGTTCGCAACTGCACCATCACTGCCAATGCTGAGTGTGCCTGT[C>T]GCAATGGCTGGCAGTGCAGGGACAAGGAGTGCACCGAGTGTGATCCTCTTCCAAACCCTT-3'
Protein context (NP_001233.2, residues 97-117): TITANAECAC[Arg107Cys]NGWQCRDKEC

ClinVar aggregate classification (germline): Conflicting classifications of pathogenicity. Review status: criteria provided, conflicting classifications (1 of 4 stars). 5 submissions from 4 submitters: Pathogenic (2); Likely pathogenic (1); Uncertain significance (1). 1 of the submissions does not count toward it. Last evaluated 2025-11-11.

Conditions:
Lymphoproliferative syndrome 2 (LPFS2). Also called: Combined immunodeficiency due to CD27 deficiency; CD27 DEFICIENCY. Identifiers: Orphanet 238505, MedGen C3554540, MONDO:0014054, OMIM 615122.
CD27-related disorder. Also called: CD27-related condition.
Combined immunodeficiency. Also called: Combined T and B cell immunodeficiency; Congenital combined immunodeficiency. Identifiers: Orphanet 101972, MedGen C2711630, MONDO:0015131, HP:0005387.
Immunodeficiency. Identifiers: MedGen C0021051, MONDO:0021094, HP:0002721.

Allele frequency attached by ClinVar (database versions not stated): ExAC 0.00004; gnomAD exomes 0.00004; gnomAD 0.00005; TOPMed 0.00005; ESP Exome Variant Server 0.00008.
gnomAD v4.1: 68 of 1,613,582 alleles (0.0042%); highest among the groups gnomAD compares: Middle Eastern, 0.016%; no homozygotes.

Submissions (5):

Labcorp Genetics (formerly Invitae), Labcorp
Classification: Uncertain significance for Lymphoproliferative syndrome 2. Last evaluated: 2025-11-11. Review status: criteria provided, single submitter. Criteria: Invitae Variant Classification Sherloc (09022015). Collection method: clinical testing. Allele origin: germline.
Comment: This sequence change replaces arginine, which is basic and polar, with cysteine, which is neutral and slightly polar, at codon 107 of the CD27 protein (p.Arg107Cys). This variant is present in population databases (rs371761387, gnomAD 0.01%). This missense change has been observed in individual(s) with clinical features of CD27 deficiency (PMID: 25843314, 32499645). In at least one individual the data is consistent with being in trans (on the opposite chromosome) from a pathogenic variant. ClinVar contains an entry for this variant (Variation ID: 827695). Invitae Evidence Modeling of protein sequence and biophysical properties (such as structural, functional, and spatial information, amino acid conservation, physicochemical variation, residue mobility, and thermodynamic stability) indicates that this missense variant is not expected to disrupt CD27 protein function with a negative predictive value of 80%. In summary, the available evidence is currently insufficient to determine the role of this variant in disease. Therefore, it has been classified as a Variant of Uncertain Significance.

Blueprint Genetics
Classification: Likely pathogenic for CD27-related disorders. Last evaluated: 2024-08-09. Review status: criteria provided, single submitter. Criteria: ACMG Guidelines, 2015. Collection method: clinical testing. Allele origin: germline. Affected: yes. Observed: 3 variant alleles.

NIHR Bioresource Rare Diseases, University of Cambridge
Classification: Pathogenic for Combined immunodeficiency. Last evaluated: 2019-01-01. Review status: criteria provided, single submitter. Criteria: ACMG Guidelines, 2015. Collection method: research. Allele origin: germline. Affected: yes. Observed: 1 heterozygote.

NIHR Bioresource Rare Diseases, University of Cambridge
Classification: Pathogenic for Immunodeficiency. Last evaluated: 2019-01-01. Review status: criteria provided, single submitter. Criteria: ACMG Guidelines, 2015. Collection method: research. Allele origin: germline. Affected: yes. Observed: 1 heterozygote.

Laboratory of Research in Genomics, Genetics and Bioinformatics, Hospital Infantil de Mexico Federico Gomez
Classification: Pathogenic for Lymphoproliferative syndrome 2. Last evaluated: 2025-04-08. Review status: no assertion criteria provided. Collection method: research. Allele origin: germline. Affected: yes. Not counted in ClinVar's aggregate classification.

Literature cited by the submitters: PubMed 25843314 (cited by Labcorp Genetics (formerly Invitae), Labcorp); PubMed 32499645 (cited by Labcorp Genetics (formerly Invitae), Labcorp).